The following is an entry in ClinVar:

NM_000379.4(XDH):c.1343_1350del (p.Glu448fs)

Gene: XDH (xanthine dehydrogenase; minus strand). Cytogenetic location: 2p23.1.
Variant type: Deletion.
Coding change: c.1343_1350del on transcript NM_000379.4 (MANE Select); coding-DNA positions 1343 to 1350, 8 bases deleted (AGGTACAG; older notation c.1343_1350delAGGTACAG).
Protein change: p.Glu448fs; shifts the reading frame from glutamic acid 448.
Molecular consequence: frameshift variant.
Genome position (GRCh38, 1-based): chr2:31,377,130-31,377,137, CTGTACCT deleted on the plus strand (AGGTACAG on the coding strand, the reverse complement: XDH is on the minus strand); deleting any 8 consecutive bases within chr2:31,377,130-31,377,141 gives the same sequence; the c. name uses the placement nearest the transcript's 3' end. VCF-style (leftmost placement, unchanged base first): chr2-31377129-CCTGTACCT-C. GRCh37 (hg19) VCF-style: chr2-31599995-CCTGTACCT-C.
Other names: short protein forms E448fs.
Identifiers: ClinVar variation 1075330 (VCV001075330.2), dbSNP rs2148776171, ClinGen allele CA2499215886.

ClinVar aggregate classification (germline): Pathogenic (1 of 4 stars; one submission).

Conditions:
Xanthinuria type II. Also called: Xanthine dehydrogenase and aldehyde oxidase combined deficiency of; XDH and AOX dual deficiency. Identifiers: Orphanet 3467, Orphanet 93602, MedGen C1863688, MONDO:0011346, OMIM 603592.

Submission:

Labcorp Genetics (formerly Invitae), Labcorp
Classification: Pathogenic for Xanthinuria type II. Last evaluated: 2020-09-16. Review status: criteria provided, single submitter. Criteria: Invitae Variant Classification Sherloc (09022015). Collection method: clinical testing. Allele origin: germline.
Comment: This sequence change creates a premature translational stop signal (p.Glu448Glyfs*88) in the XDH gene. It is expected to result in an absent or disrupted protein product. This variant is not present in population databases (ExAC no frequency). This variant has not been reported in the literature in individuals with XDH-related conditions. Loss-of-function variants in XDH are known to be pathogenic (PMID: 9153281). For these reasons, this variant has been classified as Pathogenic.

Literature cited by the submitters: PubMed 9153281.